The following is an entry in ClinVar:

NM_006269.2(RP1):c.5402C>G (p.Ser1801Cys)

Genes: RP1 (RP1 axonemal microtubule associated; plus strand), LOC126860392 (CDK7 strongly-dependent group 2 enhancer GRCh37_chr8:55541319-55542518; plus strand). Cytogenetic location: 8q12.1.
Variant type: single nucleotide variant.
Coding change: c.5402C>G on transcript NM_006269.2 (MANE Select); coding-DNA position 5402, C replaced by G.
Protein change: p.Ser1801Cys; replaces serine 1801 with cysteine.
Molecular consequence: missense variant. On other transcripts: intron variant (1).
Genome position (GRCh38, 1-based): chr8:54,629,284, C>G. VCF-style: chr8-54629284-C-G. GRCh37 (hg19) VCF-style: chr8-55541844-C-G.
Other names: c.787+6996C>G (NM_001375654.1); short protein forms S1801C.
Identifiers: ClinVar variation 1449176 (VCV001449176.8), dbSNP rs756209226, ClinGen allele CA370986155.

ClinVar aggregate classification (germline): Uncertain significance (1 of 4 stars; one submission).

Allele frequency attached by ClinVar (database versions not stated): gnomAD 0.00001.
gnomAD v4.1: 2 of 1,613,554 alleles (0.00012%); highest among the groups gnomAD compares: Admixed American, 0.0017%; no homozygotes.

Submission:

Labcorp Genetics (formerly Invitae), Labcorp
Classification: Uncertain significance. Last evaluated: 2024-06-24. Review status: criteria provided, single submitter. Criteria: Invitae Variant Classification Sherloc (09022015). Collection method: clinical testing. Allele origin: germline.
Comment: This sequence change replaces serine, which is neutral and polar, with cysteine, which is neutral and slightly polar, at codon 1801 of the RP1 protein (p.Ser1801Cys). This variant is not present in population databases (gnomAD no frequency). This variant has not been reported in the literature in individuals affected with RP1-related conditions. ClinVar contains an entry for this variant (Variation ID: 1449176). An algorithm developed to predict the effect of missense changes on protein structure and function (PolyPhen-2) suggests that this variant is likely to be disruptive. In summary, the available evidence is currently insufficient to determine the role of this variant in disease. Therefore, it has been classified as a Variant of Uncertain Significance.